The following is an entry in ClinVar:

ClinVar aggregate classification (germline): Uncertain significance (1 of 4 stars; one submission).

Submission:

Labcorp Genetics (formerly Invitae), Labcorp
Classification: Uncertain significance. Last evaluated: 2022-09-20. Review status: criteria provided, single submitter. Criteria: Invitae Variant Classification Sherloc (09022015). Collection method: clinical testing. Allele origin: germline.
Comment: In summary, the available evidence is currently insufficient to determine the role of this variant in disease. Therefore, it has been classified as a Variant of Uncertain Significance. Advanced modeling of protein sequence and biophysical properties (such as structural, functional, and spatial information, amino acid conservation, physicochemical variation, residue mobility, and thermodynamic stability) performed at Invitae indicates that this missense variant is expected to disrupt POLE protein function. This variant has not been reported in the literature in individuals affected with POLE-related conditions. This variant is not present in population databases (gnomAD no frequency). This sequence change replaces aspartic acid, which is acidic and polar, with histidine, which is basic and polar, at codon 235 of the POLE protein (p.Asp235His).

NM_006231.4(POLE):c.703G>C (p.Asp235His)

Gene: POLE (DNA polymerase epsilon, catalytic subunit; minus strand). Cytogenetic location: 12q24.33.
Variant type: single nucleotide variant.
Coding change: c.703G>C on transcript NM_006231.4 (MANE Select); coding-DNA position 703, G replaced by C.
Protein change: p.Asp235His; replaces aspartic acid 235 with histidine.
Molecular consequence: missense variant.
Genome position (GRCh38, 1-based): chr12:132,677,595, C>G on the plus strand (G>C on the coding strand, the complement: POLE is on the minus strand). VCF-style: chr12-132677595-C-G. GRCh37 (hg19) VCF-style: chr12-133254181-C-G.
Other names: short protein forms D235H.
Identifiers: ClinVar variation 1719851 (VCV001719851.5), dbSNP rs2136020142, ClinGen allele CA387364656.
Genomic context (GRCh38, chr12:132,677,595, plus strand): 5'-TAGGAAATTCATGTGAGCAGCGACCCAACCCTGCCCCACTCACCACGTGGATCTTCAGGT[C>G]AATGGAGAGGCGGATGTGGTAGGGAACATCGTACTCGCGCATGTCCACAATGTTGTCCAA-3'
Protein context (NP_006222.2, residues 225-245): DVPYHIRLSI[Asp235His]LKIHVAHWYN